The following is an entry in ClinVar:

ClinVar aggregate classification (germline): Pathogenic (1 of 4 stars; one submission).

Allele frequency attached by ClinVar (database versions not stated): gnomAD exomes below 0.00001; TOPMed below 0.00001.

Submission:

Labcorp Genetics (formerly Invitae), Labcorp
Classification: Pathogenic. Last evaluated: 2025-03-17. Review status: criteria provided, single submitter. Criteria: Invitae Variant Classification Sherloc (09022015). Collection method: clinical testing. Allele origin: germline.
Comment: This sequence change creates a premature translational stop signal (p.Asp20Glyfs*62) in the RAB28 gene. It is expected to result in an absent or disrupted protein product. Loss-of-function variants in RAB28 are known to be pathogenic (PMID: 23746546, 25356532, 27529348). This variant is present in population databases (no rsID available, gnomAD 0.001%). This variant has not been reported in the literature in individuals affected with RAB28-related conditions. ClinVar contains an entry for this variant (Variation ID: 2874595). For these reasons, this variant has been classified as Pathogenic.

Literature cited by the submitters: PubMed 23746546; PubMed 25356532; PubMed 27529348.

NM_001017979.3(RAB28):c.53_54insC (p.Asp20fs)

Genes: RAB28 (RAB28, member RAS oncogene family; minus strand), LOC111828517 (Sharpr-MPRA regulatory regions 1971 and 3941; plus strand). Cytogenetic location: 4p15.33.
Variant type: Insertion.
Coding change: c.53_54insC on transcript NM_001017979.3 (MANE Select); coding-DNA positions 53 to 54, C inserted.
Protein change: p.Asp20fs; shifts the reading frame from aspartic acid 20.
Molecular consequence: frameshift variant.
Genome position: GRCh38 VCF-style: chr4-13484097-C-CG. GRCh37 (hg19) VCF-style: chr4-13485721-C-CG.
Other names: c.53_54insC, p.Asp20fs (NM_001159601.2, NM_004249.4); short protein forms D20fs.
Identifiers: ClinVar variation 2874595 (VCV002874595.3), dbSNP rs1232968072, ClinGen allele CA549724113.